The following is an entry in ClinVar:

ClinVar aggregate classification (germline): Uncertain significance (1 of 4 stars; one submission).

Conditions:
Dilated cardiomyopathy 1W (CMD1W). Identifiers: Orphanet 154, MedGen C1969639, MONDO:0012667, OMIM 611407.

Submission:

Labcorp Genetics (formerly Invitae), Labcorp
Classification: Uncertain significance for Dilated cardiomyopathy 1W. Last evaluated: 2025-05-14. Review status: criteria provided, single submitter. Criteria: Invitae Variant Classification Sherloc (09022015). Collection method: clinical testing. Allele origin: germline.
Comment: This sequence change replaces glutamic acid, which is acidic and polar, with glutamine, which is neutral and polar, at codon 789 of the VCL protein (p.Glu789Gln). This variant is not present in population databases (gnomAD no frequency). This variant has not been reported in the literature in individuals affected with VCL-related conditions. ClinVar contains an entry for this variant (Variation ID: 1942090). An algorithm developed to predict the effect of missense changes on protein structure and function (PolyPhen-2) suggests that this variant is likely to be tolerated. In summary, the available evidence is currently insufficient to determine the role of this variant in disease. Therefore, it has been classified as a Variant of Uncertain Significance.

NM_014000.3(VCL):c.2365G>C (p.Glu789Gln)

Gene: VCL (vinculin; plus strand). Cytogenetic location: 10q22.2.
Variant type: single nucleotide variant.
Coding change: c.2365G>C on transcript NM_014000.3 (MANE Select); coding-DNA position 2365, G replaced by C.
Protein change: p.Glu789Gln; replaces glutamic acid 789 with glutamine.
Molecular consequence: missense variant.
Genome position (GRCh38, 1-based): chr10:74,105,284, G>C. VCF-style: chr10-74105284-G-C. GRCh37 (hg19) VCF-style: chr10-75865042-G-C.
Other names: c.2365G>C, p.Glu789Gln (NM_003373.4); short protein forms E789Q.
Identifiers: ClinVar variation 1942090 (VCV001942090.5), dbSNP rs745419923, ClinGen allele CA377262675.